The following is an entry in ClinVar:

ClinVar aggregate classification (germline): Uncertain significance (1 of 4 stars; one submission).

Conditions:
Severe combined immunodeficiency due to DNA-PKcs deficiency. Also called: Immunodeficiency 26 with or without neurologic abnormalities; IMMUNODEFICIENCY 26 WITH NEUROLOGIC ABNORMALITIES. Identifiers: Orphanet 317425, MedGen C4014833, MONDO:0014423, OMIM 615966.

Submission:

Labcorp Genetics (formerly Invitae), Labcorp
Classification: Uncertain significance for Severe combined immunodeficiency due to DNA-PKcs deficiency. Last evaluated: 2018-08-26. Review status: criteria provided, single submitter. Criteria: Invitae Variant Classification Sherloc (09022015). Collection method: clinical testing. Allele origin: germline.
Comment: In summary, the available evidence is currently insufficient to determine the role of this variant in disease. Therefore, it has been classified as a Variant of Uncertain Significance. The current clinical and genetic evidence is not sufficient to establish whether loss-of-function variants in PRKDC cause disease. This sequence change creates a premature translational stop signal (p.Glu2258*) in the PRKDC gene. It is expected to result in an absent or disrupted protein product. This variant is not present in population databases (ExAC no frequency). This variant has not been reported in the literature in individuals with PRKDC-related disease.

NM_006904.7(PRKDC):c.6772G>T (p.Glu2258Ter)

Gene: PRKDC (protein kinase, DNA-activated, catalytic subunit; minus strand). Cytogenetic location: 8q11.21.
Variant type: single nucleotide variant.
Coding change: c.6772G>T on transcript NM_006904.7 (MANE Select); coding-DNA position 6772, G replaced by T.
Protein change: p.Glu2258Ter; replaces glutamic acid 2258 with a stop codon.
Molecular consequence: nonsense.
Genome position (GRCh38, 1-based): chr8:47,854,204, C>A on the plus strand (G>T on the coding strand, the complement: PRKDC is on the minus strand). VCF-style: chr8-47854204-C-A. GRCh37 (hg19) VCF-style: chr8-48766765-C-A.
Other names: c.6772G>T, p.Glu2258Ter (NM_001081640.2); short protein forms E2258*.
Identifiers: ClinVar variation 647688 (VCV000647688.6), dbSNP rs1589744116, ClinGen allele CA371158686.